The following is an entry in ClinVar:

NM_152906.7(TANGO2):c.-4C>A

Gene: TANGO2 (transport and golgi organization 2 homolog; plus strand). Cytogenetic location: 22q11.21.
Variant type: single nucleotide variant.
Coding change: c.-4C>A on transcript NM_152906.7 (MANE Select); 4 bases upstream of the start codon, C replaced by A.
Molecular consequence: 5 prime UTR variant. On other transcripts: non-coding transcript variant (5).
Genome position (GRCh38, 1-based): chr22:20,036,795, C>A. VCF-style: chr22-20036795-C-A. GRCh37 (hg19) VCF-style: chr22-20024318-C-A.
Other names: c.-4C>A (NM_001283106.3, NM_001283116.3, NM_001283148.3 and 10 more transcripts); c.-121C>A (NM_001283129.3, NM_001283215.3, NM_001322141.2 and 5 more transcripts); c.-183C>A (NM_001283235.3, NM_001322146.2, NM_001322153.2 and 5 more transcripts); c.-423C>A (NM_001322148.2, NM_001322150.2, NM_001322172.2 and 1 more transcripts).
Identifiers: ClinVar variation 3031475 (VCV003031475.2), dbSNP rs201345851, ClinGen allele CA10106104.

ClinVar aggregate classification (germline): Likely benign (0 of 4 stars; one submission).

Conditions:
TANGO2-related disorder. Also called: TANGO2-related condition.

Allele frequency attached by ClinVar (database versions not stated): ExAC 0.00002.
gnomAD v4.1: 49 of 1,614,114 alleles (0.003%); highest among the groups gnomAD compares: Middle Eastern, 0.016%; no homozygotes.

Submission:

PreventionGenetics, part of Exact Sciences
Classification: Likely benign for TANGO2-related condition. Last evaluated: 2020-11-25. Review status: no assertion criteria provided. Collection method: clinical testing. Allele origin: germline.
Comment: This variant is classified as likely benign based on ACMG/AMP sequence variant interpretation guidelines (Richards et al. 2015 PMID: 25741868, with internal and published modifications).